The following is an entry in ClinVar:

NM_015570.4(AUTS2):c.1446C>G (p.His482Gln)

Gene: AUTS2 (activator of transcription and developmental regulator AUTS2; plus strand). Cytogenetic location: 7q11.22.
Variant type: single nucleotide variant.
Coding change: c.1446C>G on transcript NM_015570.4 (MANE Select); coding-DNA position 1446, C replaced by G.
Protein change: p.His482Gln; replaces histidine 482 with glutamine.
Molecular consequence: missense variant.
Genome position (GRCh38, 1-based): chr7:70,764,983, C>G. VCF-style: chr7-70764983-C-G. GRCh37 (hg19) VCF-style: chr7-70229969-C-G.
Other names: c.1446C>G, p.His482Gln (NM_001127231.3); short protein forms H482Q.
Identifiers: ClinVar variation 2772233 (VCV002772233.3), dbSNP rs755576516, ClinGen allele CA367668579.

ClinVar aggregate classification (germline): Uncertain significance (1 of 4 stars; one submission).

Submission:

Labcorp Genetics (formerly Invitae), Labcorp
Classification: Uncertain significance. Last evaluated: 2023-10-28. Review status: criteria provided, single submitter. Criteria: Invitae Variant Classification Sherloc (09022015). Collection method: clinical testing. Allele origin: germline.
Comment: This sequence change replaces histidine, which is basic and polar, with glutamine, which is neutral and polar, at codon 482 of the AUTS2 protein (p.His482Gln). This variant is not present in population databases (gnomAD no frequency). This variant has not been reported in the literature in individuals affected with AUTS2-related conditions. Advanced modeling of protein sequence and biophysical properties (such as structural, functional, and spatial information, amino acid conservation, physicochemical variation, residue mobility, and thermodynamic stability) performed at Invitae indicates that this missense variant is not expected to disrupt AUTS2 protein function with a negative predictive value of 80%. In summary, the available evidence is currently insufficient to determine the role of this variant in disease. Therefore, it has been classified as a Variant of Uncertain Significance.